The following is an entry in ClinVar:

ClinVar aggregate classification (germline): Uncertain significance. Review status: criteria provided, multiple submitters, no conflicts (2 of 4 stars). 2 submissions from 2 submitters: Uncertain significance (2). Last evaluated 2025-10-18.

Conditions:
Familial thoracic aortic aneurysm and aortic dissection (TAAD). Also called: Thoracic aortic aneurysms and dissections. Identifiers: Orphanet 91387, MedGen C4707243, MONDO:0019625.
Aortic aneurysm, familial thoracic 4 (AAT4). Also called: AORTIC ANEURYSM/AORTIC DISSECTION AND PATENT DUCTUS ARTERIOSUS. Identifiers: MedGen C1851504, MONDO:0007568, OMIM 132900.

Allele frequency attached by ClinVar (database versions not stated): gnomAD exomes below 0.00001; TOPMed below 0.00001.
gnomAD v4.1: 2 of 1,614,256 alleles (0.00012%); highest among the groups gnomAD compares: Non-Finnish European, 0.00017%; no homozygotes.

Submissions (2):

Labcorp Genetics (formerly Invitae), Labcorp
Classification: Uncertain significance for Aortic aneurysm, familial thoracic 4. Last evaluated: 2025-10-18. Review status: criteria provided, single submitter. Criteria: Invitae Variant Classification Sherloc (09022015). Collection method: clinical testing. Allele origin: germline.
Comment: This sequence change replaces glutamine, which is neutral and polar, with histidine, which is basic and polar, at codon 1200 of the MYH11 protein (p.Gln1200His). This variant is present in population databases (no rsID available, gnomAD 0.002%). This variant has not been reported in the literature in individuals affected with MYH11-related conditions. ClinVar contains an entry for this variant (Variation ID: 1517527). Invitae Evidence Modeling of protein sequence and biophysical properties (such as structural, functional, and spatial information, amino acid conservation, physicochemical variation, residue mobility, and thermodynamic stability) indicates that this missense variant is not expected to disrupt MYH11 protein function with a negative predictive value of 95%. In summary, the available evidence is currently insufficient to determine the role of this variant in disease. Therefore, it has been classified as a Variant of Uncertain Significance.

Color Diagnostics, LLC DBA Color Health
Classification: Uncertain significance for Familial thoracic aortic aneurysm and aortic dissection. Last evaluated: 2025-09-11. Review status: criteria provided, single submitter. Criteria: ACMG Guidelines, 2015. Collection method: clinical testing. Allele origin: germline.
Comment: This missense variant replaces glutamine with histidine at codon 1200 of the MYH11 protein. Computational prediction suggests that this variant may have deleterious impact on protein structure and function. To our knowledge, functional studies have not been reported for this variant. This variant has not been reported in individuals affected with MYH11-related disorders in the literature. This variant has been identified in 1/251462 chromosomes in the general population by the Genome Aggregation Database (gnomAD). The available evidence is insufficient to determine the role of this variant in disease conclusively. Therefore, this variant is classified as a Variant of Uncertain Significance.

NM_002474.3(MYH11):c.3579G>C (p.Gln1193His)

Gene: MYH11 (myosin heavy chain 11; minus strand). Cytogenetic location: 16p13.11.
Variant type: single nucleotide variant.
Coding change: c.3579G>C on transcript NM_002474.3 (MANE Select); coding-DNA position 3579, G replaced by C.
Protein change: p.Gln1193His; replaces glutamine 1193 with histidine.
Molecular consequence: missense variant.
Genome position (GRCh38, 1-based): chr16:15,732,636, C>G on the plus strand (G>C on the coding strand, the complement: MYH11 is on the minus strand). VCF-style: chr16-15732636-C-G. GRCh37 (hg19) VCF-style: chr16-15826493-C-G.
Other names: c.3600G>C, p.Gln1200His (NM_001040113.2, NM_001040114.2); c.3579G>C, p.Gln1193His (NM_022844.3); short protein forms Q1193H, Q1200H.
Identifiers: ClinVar variation 1517527 (VCV001517527.8), dbSNP rs1251694902, ClinGen allele CA394861127.